The following is an entry in ClinVar:

ClinVar aggregate classification (germline): Likely benign. Review status: criteria provided, multiple submitters, no conflicts (2 of 4 stars). 3 submissions from 3 submitters: Likely benign (3). Last evaluated 2025-03-23.

Conditions:
Cardiomyopathy (CMYO). Also called: Cardiomyopathies. Identifiers: Orphanet 167848, MedGen C0878544, MONDO:0004994, HP:0001638. Inheritance: Various modes of inheritance.
Cardiovascular phenotype. Identifiers: MedGen CN230736.

gnomAD v4.1: 1 of 1,614,078 alleles (0.000062%); no homozygotes.

Submissions (3):

Ambry Genetics
Classification: Likely benign for Cardiovascular phenotype. Last evaluated: 2025-03-23. Review status: criteria provided, single submitter. Criteria: Ambry Variant Classification Scheme 2023. Collection method: clinical testing. Allele origin: germline.

All of Us Research Program, National Institutes of Health
Classification: Likely benign for Cardiomyopathy. Last evaluated: 2024-06-09. Review status: criteria provided, single submitter. Criteria: ACMG Guidelines, 2015. Collection method: clinical testing. Allele origin: germline. Inheritance: Autosomal dominant inheritance. Observed: 1 variant allele, 1 heterozygote.
Comment: This study involves interpretation of variants in research participants for the purpose of population health screening. Participant phenotype was not available at the time of variant classification. Additional details can be found in publication PMID: 35346344, PMCID: PMC8962531

Color Diagnostics, LLC DBA Color Health
Classification: Likely benign for Cardiomyopathy. Last evaluated: 2024-04-10. Review status: criteria provided, single submitter. Criteria: ACMG Guidelines, 2015. Collection method: clinical testing. Allele origin: germline.

NM_000257.4(MYH7):c.4509A>G (p.Lys1503=)

Genes: MHRT (myosin heavy chain associated RNA transcript; plus strand), MYH7 (myosin heavy chain 7; minus strand). Cytogenetic location: 14q11.2.
Variant type: single nucleotide variant.
Coding change: c.4509A>G on transcript NM_000257.4 (MANE Select); coding-DNA position 4509, A replaced by G.
Protein change: p.Lys1503=; no amino-acid change (lysine 1503 retained).
Molecular consequence: synonymous variant.
Genome position (GRCh38, 1-based): chr14:23,417,163, T>C on the plus strand (A>G on the coding strand, the complement: MYH7 is on the minus strand). VCF-style: chr14-23417163-T-C. GRCh37 (hg19) VCF-style: chr14-23886372-T-C.
Other names: c.4509A>G, p.Lys1503= (NM_001407004.1).
Identifiers: ClinVar variation 3387298 (VCV003387298.3).